The following is an entry in ClinVar:

ClinVar aggregate classification (germline): Uncertain significance (1 of 4 stars; one submission).

Conditions:
Hereditary cancer-predisposing syndrome. Also called: Neoplastic Syndromes, Hereditary; Tumor predisposition; Hereditary neoplastic syndrome; Hereditary Cancer Syndrome. Identifiers: Orphanet 140162, MedGen C0027672, MeSH D009386, MONDO:0015356.

Submission:

Ambry Genetics
Classification: Uncertain significance for Hereditary cancer-predisposing syndrome. Last evaluated: 2026-07-07. Review status: criteria provided, single submitter. Criteria: Ambry Variant Classification Scheme 2023. Collection method: clinical testing. Allele origin: germline.
Comment: The p.F663L variant (also known as c.1987T>C), located in coding exon 11 of the RET gene, results from a T to C substitution at nucleotide position 1987. The phenylalanine at codon 663 is replaced by leucine, an amino acid with highly similar properties. This amino acid position is conserved. In addition, the in silico prediction for this alteration is inconclusive. Based on the available evidence, the clinical significance of this variant remains unclear.

NM_020975.6(RET):c.1987T>C (p.Phe663Leu)

Gene: RET (ret proto-oncogene; plus strand). Cytogenetic location: 10q11.21.
Variant type: single nucleotide variant.
Coding change: c.1987T>C on transcript NM_020975.6 (MANE Select); coding-DNA position 1987, T replaced by C.
Protein change: p.Phe663Leu; replaces phenylalanine 663 with leucine.
Molecular consequence: missense variant. On other transcripts: intron variant (4).
Genome position (GRCh38, 1-based): chr10:43,114,587, T>C. VCF-style: chr10-43114587-T-C. GRCh37 (hg19) VCF-style: chr10-43610035-T-C.
Other names: c.1591T>C, p.Phe531Leu (NM_001406769.1, NM_001406772.1); c.1699T>C, p.Phe567Leu (NM_001406770.1, NM_001406766.1, NM_001406767.1); c.1549T>C, p.Phe517Leu (NM_001406771.1, NM_001406773.1); c.1462T>C, p.Phe488Leu (NM_001406774.1); c.1261T>C, p.Phe421Leu (NM_001406775.1, NM_001406776.1, NM_001406777.1 and 1 more transcripts); c.1225T>C, p.Phe409Leu (NM_001355216.2); c.1987T>C, p.Phe663Leu (NM_001406743.1, NM_001406744.1, NM_001406759.1 and 2 more transcripts); c.1858T>C, p.Phe620Leu (NM_001406761.1, NM_001406762.1, NM_001406764.1); and 10 more; short protein forms F228L, F488L, F620L, F409L, F531L, F268L, F180L, F421L.
Identifiers: ClinVar variation 5028181 (VCV005028181.1).